The following is an entry in ClinVar:

ClinVar aggregate classification (germline): Likely pathogenic (1 of 4 stars; one submission).

Conditions:
Lynch syndrome. Identifiers: Orphanet 144, MedGen C4552100, MONDO:0005835. Disease mechanism: loss of function.

Submission:

All of Us Research Program, National Institutes of Health
Classification: Likely pathogenic for Lynch syndrome. Last evaluated: 2024-01-12. Review status: criteria provided, single submitter. Criteria: ACMG Guidelines, 2015. Collection method: clinical testing. Allele origin: germline. Inheritance: Autosomal dominant inheritance. Observed: 1 variant allele, 1 heterozygote.
Comment: The c.3918_3919delinsAGAT (p.Asn1307Aspfs*21) variant in the MSH6 gene is located on the exon 9 and is predicted to cause shift of reading frame that introduces a premature translation termination codon (p.Asn1307Aspfs*21), resulting in a disrupted protein product. This variant is not expected to cause nonsense-mediated mRNA decay. Other frameshift/truncation variants located upstream and downstream to this position in the same exon have been reported in individuals with Lynch syndrome-associated cancer (ClinVar ID: 230870, 89486). The variant is not reported in ClinVar and absent in the general population database (gnomAD). Therefore, the c.3918_3919delinsAGAT (p.Asn1307Aspfs*21) variant of MSH6 has been classified as likely pathogenic.

This study involves interpretation of variants in research participants for the purpose of population health screening. Participant phenotype was not available at the time of variant classification. Additional details can be found in publication PMID: 35346344, PMCID: PMC8962531

NM_000179.3(MSH6):c.3918_3919delinsAGAT (p.Asn1307fs)

Gene: MSH6 (mutS homolog 6; plus strand). Cytogenetic location: 2p16.3.
Variant type: Indel.
Coding change: c.3918_3919delinsAGAT on transcript NM_000179.3 (MANE Select); coding-DNA positions 3918 to 3919, TA replaced by AGAT.
Protein change: p.Asn1307fs; shifts the reading frame from asparagine 1307.
Molecular consequence: frameshift variant. On other transcripts: non-coding transcript variant (5), intron variant (1).
Genome position (GRCh38, 1-based): chr2:47,806,568-47,806,569, TA replaced by AGAT. VCF-style: chr2-47806568-TA-AGAT. GRCh37 (hg19) VCF-style: chr2-48033707-TA-AGAT.
Other names: c.3897+210_3898-210delinsAGAT (NM_001406802.1); c.3528_3529delinsAGAT, p.Asn1177fs (NM_001281492.2); c.3012_3013delinsAGAT, p.Asn1005fs (NM_001281493.2, NM_001281494.2, NM_001406811.1 and 6 more transcripts); c.4014_4015delinsAGAT, p.Asn1339fs (NM_001406795.1); c.3918_3919delinsAGAT, p.Asn1307fs (NM_001406796.1, NM_001406808.1, NM_001406809.1); c.3621_3622delinsAGAT, p.Asn1208fs (NM_001406797.1, NM_001406801.1, NM_001406805.1 and 10 more transcripts); c.3744_3745delinsAGAT, p.Asn1249fs (NM_001406798.1); c.3393_3394delinsAGAT, p.Asn1132fs (NM_001406799.1, NM_001406806.1, NM_001406807.1); and 9 more; short protein forms L1302fs, N1005fs, N1019fs, N1132fs, N1177fs, N1208fs, N1249fs, N1251fs.
Identifiers: ClinVar variation 3074414 (VCV003074414.1), dbSNP rs2530869373, ClinGen allele CA2825001140.